The following is an entry in ClinVar:

ClinVar aggregate classification (germline): Uncertain significance (1 of 4 stars; one submission).

Conditions:
CREBBP-related disorder. Also called: CREBBP-related condition; CREBBP-related disorders.

Submission:

PreventionGenetics, part of Exact Sciences
Classification: Uncertain significance for CREBBP-related condition. Last evaluated: 2025-09-15. Review status: criteria provided, single submitter. Criteria: ACMG Guidelines, 2015. Collection method: clinical testing. Allele origin: germline.
Comment: The CREBBP c.2717T>G variant is predicted to result in the amino acid substitution p.Val906Gly. To our knowledge, this variant has not been reported in the literature or in a large population database (gnomAD), indicating this variant is rare. At this time, the clinical significance of this variant is uncertain due to the absence of conclusive functional and genetic evidence.

NM_004380.3(CREBBP):c.2717T>G (p.Val906Gly)

Gene: CREBBP (CREB binding lysine acetyltransferase; minus strand). Cytogenetic location: 16p13.3.
Variant type: single nucleotide variant.
Coding change: c.2717T>G on transcript NM_004380.3 (MANE Select); coding-DNA position 2717, T replaced by G.
Protein change: p.Val906Gly; replaces valine 906 with glycine.
Molecular consequence: missense variant.
Genome position (GRCh38, 1-based): chr16:3,770,733, A>C on the plus strand (T>G on the coding strand, the complement: CREBBP is on the minus strand). VCF-style: chr16-3770733-A-C. GRCh37 (hg19) VCF-style: chr16-3820734-A-C.
Other names: c.2603T>G, p.Val868Gly (NM_001079846.1); short protein forms V868G, V906G.
Identifiers: ClinVar variation 4991617 (VCV004991617.1).